The following is an entry in ClinVar:

ClinVar aggregate classification (germline): Pathogenic (1 of 4 stars; one submission).

Conditions:
Fanconi anemia (FA). Also called: Fanconi's anemia. Identifiers: Orphanet 84, MedGen C0015625, MeSH D005199, MONDO:0019391.

Submission:

Labcorp Genetics (formerly Invitae), Labcorp
Classification: Pathogenic for Fanconi anemia. Last evaluated: 2023-08-07. Review status: criteria provided, single submitter. Criteria: Invitae Variant Classification Sherloc (09022015). Collection method: clinical testing. Allele origin: germline.
Comment: For these reasons, this variant has been classified as Pathogenic. This variant has not been reported in the literature in individuals affected with FANCA-related conditions. This variant is not present in population databases (gnomAD no frequency). This sequence change creates a premature translational stop signal (p.Arg29Serfs*14) in the FANCA gene. It is expected to result in an absent or disrupted protein product. Loss-of-function variants in FANCA are known to be pathogenic (PMID: 19367192).

Literature cited by the submitters: PubMed 19367192.

NM_000135.4(FANCA):c.84_87del (p.Arg29fs)

Gene: FANCA (FA complementation group A; minus strand). Cytogenetic location: 16q24.3.
Variant type: Deletion.
Coding change: c.84_87del on transcript NM_000135.4 (MANE Select); coding-DNA positions 84 to 87, 4 bases deleted (AAGG; older notation c.84_87delAAGG).
Protein change: p.Arg29fs; shifts the reading frame from arginine 29.
Molecular consequence: frameshift variant.
Genome position (GRCh38, 1-based): chr16:89,815,979-89,815,982, CCTT deleted on the plus strand (AAGG on the coding strand, the reverse complement: FANCA is on the minus strand); deleting any 4 consecutive bases within chr16:89,815,979-89,815,984 gives the same sequence; the c. name uses the placement nearest the transcript's 3' end. VCF-style (leftmost placement, unchanged base first): chr16-89815978-CCCTT-C. GRCh37 (hg19) VCF-style: chr16-89882386-CCCTT-C.
Other names: c.84_87del, p.Arg29fs (NM_001018112.3, NM_001286167.3, NM_001351830.2); short protein forms R29fs.
Identifiers: ClinVar variation 2893372 (VCV002893372.3), dbSNP rs2544390528, ClinGen allele CA2739265530.